The following is an entry in ClinVar:

NM_005461.5(MAFB):c.*152G>C

Gene: MAFB (MAF bZIP transcription factor B; minus strand). Cytogenetic location: 20q12.
Variant type: single nucleotide variant.
Coding change: c.*152G>C on transcript NM_005461.5 (MANE Select); 152 bases downstream of the stop codon, G replaced by C.
Molecular consequence: 3 prime UTR variant.
Genome position (GRCh38, 1-based): chr20:40,687,727, C>G on the plus strand (G>C on the coding strand, the complement: MAFB is on the minus strand). VCF-style: chr20-40687727-C-G. GRCh37 (hg19) VCF-style: chr20-39316367-C-G.
Identifiers: ClinVar variation 338404 (VCV000338404.5), dbSNP rs553723079, ClinGen allele CA10643859.
Genomic context (GRCh38, chr20:40,687,727, plus strand): 5'-GCGTGCGCTACTCTCGCCTTAGCCAAGGTCCCCTGCCCGCCCGCGCACCCGCCCGTCGCC[C>G]GCGGCCCGCGCGCCCTTCCTCCCTCTCGCTCAAGTCAAACAGGTCAAGGCTGGGGCCGCG-3'

ClinVar aggregate classification (germline): Benign (1 of 4 stars; one submission).

Conditions:
Multicentric carpo-tarsal osteolysis with or without nephropathy. Also called: Multicentric Osteolysis of Carpal Bones and Nephropathy; OSTEOLYSIS, HEREDITARY, OF CARPAL BONES WITH OR WITHOUT NEPHROPATHY; Carnevale Canun Mendoza syndrome; MULTICENTRIC OSTEOLYSIS, AUTOSOMAL DOMINANT; Multicentric Carpotarsal Osteolysis with or without Nephropathy; MULTICENTRIC CARPOTARSAL OSTEOLYSIS SYNDROME. Identifiers: Orphanet 2774, MedGen C2674705, MONDO:0008152, OMIM 166300.

Allele frequency attached by ClinVar (database versions not stated): TOPMed 0.00011; gnomAD 0.00083 and 0.00003; 1000 Genomes Project 30x 0.00531; 1000 Genomes Project 0.00519.

Submission:

Illumina Laboratory Services, Illumina
Classification: Benign for Multicentric carpo-tarsal osteolysis with or without nephropathy. Last evaluated: 2018-01-12. Review status: criteria provided, single submitter. Criteria: ICSL Variant Classification Criteria 13 December 2019. Collection method: clinical testing. Allele origin: germline.
Comment: This variant was observed in the ICSL laboratory as part of a predisposition screen in an ostensibly healthy population. It had not been previously curated by ICSL or reported in the Human Gene Mutation Database (HGMD: prior to June 1st, 2018), and was therefore a candidate for classification through an automated scoring system. Utilizing variant allele frequency, disease prevalence and penetrance estimates, and inheritance mode, an automated score was calculated to assess if this variant is too frequent to cause the disease. Based on the score and internal cut-off values, a variant classified as benign is not then subjected to further curation. The score for this variant resulted in a classification of benign for this disease.